The following is an entry in ClinVar:

NM_000038.6(APC):c.4542A>G (p.Pro1514=)

Gene: APC (APC regulator of Wnt signaling pathway; plus strand). Cytogenetic location: 5q22.2.
Variant type: single nucleotide variant.
Coding change: c.4542A>G on transcript NM_000038.6 (MANE Select); coding-DNA position 4542, A replaced by G.
Protein change: p.Pro1514=; no amino-acid change (proline 1514 retained).
Molecular consequence: synonymous variant.
Genome position (GRCh38, 1-based): chr5:112,840,136, A>G. VCF-style: chr5-112840136-A-G. GRCh37 (hg19) VCF-style: chr5-112175833-A-G.
Other names: c.4164A>G, p.Pro1388= (NM_001354904.2); c.3693A>G, p.Pro1231= (NM_001354906.2); c.4062A>G, p.Pro1354= (NM_001354905.2); c.4542A>G, p.Pro1514= (NM_001127510.3, NM_001354895.2); c.4488A>G, p.Pro1496= (NM_001127511.3); c.4596A>G, p.Pro1532= (NM_001354896.2); c.4572A>G, p.Pro1524= (NM_001354897.2); c.4467A>G, p.Pro1489= (NM_001354898.2); and 5 more.
Identifiers: ClinVar variation 482297 (VCV000482297.13), dbSNP rs1459239401, ClinGen allele CA446206577.

ClinVar aggregate classification (germline): Benign/Likely benign. Review status: criteria provided, multiple submitters, no conflicts (2 of 4 stars). 3 submissions from 3 submitters: Benign (1); Likely benign (2). Last evaluated 2024-12-03.

Conditions:
Hereditary cancer-predisposing syndrome. Also called: Neoplastic Syndromes, Hereditary; Tumor predisposition; Hereditary Cancer Syndrome; Hereditary neoplastic syndrome. Identifiers: Orphanet 140162, MedGen C0027672, MeSH D009386, MONDO:0015356.
Familial adenomatous polyposis 1 (FAP1). Also called: FAMILIAL ADENOMATOUS POLYPOSIS 1, ATTENUATED; POLYPOSIS, ADENOMATOUS INTESTINAL. Identifiers: MedGen C2713442, MONDO:0021056, OMIM 175100. Disease mechanism: loss of function.

Allele frequency attached by ClinVar (database versions not stated): gnomAD exomes below 0.00001; TOPMed below 0.00001; gnomAD 0.00001.
gnomAD v4.1: 3 of 1,614,030 alleles (0.00019%); highest among the groups gnomAD compares: African/African-American, 0.004%; no homozygotes.

Submissions (3):

Labcorp Genetics (formerly Invitae), Labcorp
Classification: Likely benign for Familial adenomatous polyposis 1. Last evaluated: 2024-12-03. Review status: criteria provided, single submitter. Criteria: Invitae Variant Classification Sherloc (09022015). Collection method: clinical testing. Allele origin: germline.

Myriad Genetics, Inc.
Classification: Benign for Familial adenomatous polyposis 1. Last evaluated: 2024-03-27. Review status: criteria provided, single submitter. Criteria: Myriad Autosomal Dominant, Autosomal Recessive and X-Linked Classification Criteria (2023). Collection method: clinical testing. Allele origin: unknown.
Comment: This variant is considered benign. This variant is a silent/synonymous amino acid change and it is not expected to impact splicing.

Ambry Genetics
Classification: Likely benign for Hereditary cancer-predisposing syndrome. Last evaluated: 2016-02-03. Review status: criteria provided, single submitter. Criteria: Ambry Variant Classification Scheme 2023. Collection method: clinical testing. Allele origin: germline.